The following is an entry in ClinVar:

NM_002150.3(HPD):c.850_853del (p.Arg284fs)

Genes: HPD (4-hydroxyphenylpyruvate dioxygenase; minus strand), TIALD (transcript inducer of AURKA lysosomal degradation; plus strand). Cytogenetic location: 12q24.31.
Variant type: Microsatellite.
Coding change: c.850_853del on transcript NM_002150.3 (MANE Select); coding-DNA positions 850 to 853, 4 bases deleted (AGAG; older notation c.850_853delAGAG).
Protein change: p.Arg284fs; shifts the reading frame from arginine 284.
Molecular consequence: frameshift variant.
Genome position (GRCh38, 1-based): chr12:121,843,811-121,843,814, CTCT deleted on the plus strand (AGAG on the coding strand, the reverse complement: HPD is on the minus strand); deleting any 4 consecutive bases within chr12:121,843,811-121,843,821 gives the same sequence; the c. name uses the placement nearest the transcript's 3' end. VCF-style (leftmost placement, unchanged base first): chr12-121843810-CCTCT-C. GRCh37 (hg19) VCF-style: chr12-122281716-CCTCT-C.
Other names: c.733_736del, p.Arg245fs (NM_001171993.2); short protein forms R245fs, R284fs.
Identifiers: ClinVar variation 2932690 (VCV002932690.3), dbSNP rs142252243, ClinGen allele CA2621464717.

ClinVar aggregate classification (germline): Pathogenic (1 of 4 stars; one submission).

Conditions:
Hawkinsinuria. Identifiers: Orphanet 2118, MedGen C2931042, MONDO:0007700, OMIM 140350, HP:0034457.
Tyrosinemia type III. Also called: Tyrosinemia type 3; 4-alpha hydroxyphenylpyruvic acid oxidase deficiency; 4-alpha hydroxyphenylpyruvate dioxygenase deficiency; 4-Hydroxyphenylpyruvate dioxygenase deficiency; 4-HYDROXYPHENYLPYRUVIC ACID OXIDASE DEFICIENCY. Identifiers: Orphanet 69723, MedGen C0268623, MONDO:0010162, OMIM 276710.

Submission:

Labcorp Genetics (formerly Invitae), Labcorp
Classification: Pathogenic for Tyrosinemia type III; Hawkinsinuria. Last evaluated: 2025-03-13. Review status: criteria provided, single submitter. Criteria: Invitae Variant Classification Sherloc (09022015). Collection method: clinical testing. Allele origin: germline.
Comment: This sequence change creates a premature translational stop signal (p.Arg284Alafs*19) in the HPD gene. It is expected to result in an absent or disrupted protein product. Loss-of-function variants in HPD are known to be pathogenic (PMID: 10942115, 23036342). This variant is not present in population databases (gnomAD no frequency). This variant has not been reported in the literature in individuals affected with HPD-related conditions. For these reasons, this variant has been classified as Pathogenic.

Literature cited by the submitters: PubMed 10942115; PubMed 23036342.